The following is an entry in ClinVar:

ClinVar aggregate classification (germline): Uncertain significance. Review status: criteria provided, multiple submitters, no conflicts (2 of 4 stars). 6 submissions from 6 submitters: Uncertain significance (6). Last evaluated 2025-04-28.

Conditions:
Hereditary cancer-predisposing syndrome. Also called: Neoplastic Syndromes, Hereditary; Tumor predisposition; Hereditary Cancer Syndrome; Hereditary neoplastic syndrome. Identifiers: Orphanet 140162, MedGen C0027672, MeSH D009386, MONDO:0015356.
Familial adenomatous polyposis 1 (FAP1). Also called: FAMILIAL ADENOMATOUS POLYPOSIS 1, ATTENUATED; POLYPOSIS, ADENOMATOUS INTESTINAL. Identifiers: MedGen C2713442, MONDO:0021056, OMIM 175100. Disease mechanism: loss of function.
Classic or attenuated familial adenomatous polyposis. Identifiers: MedGen CN372698, MONDO:0021057.

gnomAD v4.1: 2 of 1,612,644 alleles (0.00012%); highest among the groups gnomAD compares: Admixed American, 0.0017%; no homozygotes.

Submissions (6):

Color Diagnostics, LLC DBA Color Health
Classification: Uncertain significance for Hereditary cancer-predisposing syndrome. Last evaluated: 2025-04-28. Review status: criteria provided, single submitter. Criteria: ACMG Guidelines, 2015. Collection method: clinical testing. Allele origin: germline.
Comment: This missense variant replaces glycine with cysteine at codon 253 of the APC protein. Computational prediction suggests that this variant may not impact protein structure and function. To our knowledge, functional studies have not been reported for this variant. This variant has not been reported in individuals affected with APC-related disorders in the literature. This variant has been identified in 1/250890 chromosomes in the general population by the Genome Aggregation Database (gnomAD). The available evidence is insufficient to determine the role of this variant in disease conclusively. Therefore, this variant is classified as a Variant of Uncertain Significance.

Ambry Genetics
Classification: Uncertain significance for Hereditary cancer-predisposing syndrome. Last evaluated: 2024-11-11. Review status: criteria provided, single submitter. Criteria: Ambry Variant Classification Scheme 2023. Collection method: clinical testing. Allele origin: germline.
Comment: The p.G253C variant (also known as c.757G>T), located in coding exon 7 of the APC gene, results from a G to T substitution at nucleotide position 757. The glycine at codon 253 is replaced by cysteine, an amino acid with highly dissimilar properties. This amino acid position is not well conserved in available vertebrate species. Missense alterations in APC are not a common cause of disease (Spier I et al. Genet Med. 2024 Feb;26(2):100992). In addition, in silico predictors for this gene do not accurately predict pathogenicity. Since supporting evidence is limited at this time, the clinical significance of this alteration remains unclear.

All of Us Research Program, National Institutes of Health
Classification: Uncertain significance for Classic or attenuated familial adenomatous polyposis. Last evaluated: 2024-08-06. Review status: criteria provided, single submitter. Criteria: ACMG Guidelines, 2015. Collection method: clinical testing. Allele origin: germline. Inheritance: Autosomal dominant inheritance. Observed: 2 variant alleles, 2 heterozygotes.
Comment: This study involves interpretation of variants in research participants for the purpose of population health screening. Participant phenotype was not available at the time of variant classification. Additional details can be found in publication PMID: 35346344, PMCID: PMC8962531

Labcorp Genetics (formerly Invitae), Labcorp
Classification: Uncertain significance for Familial adenomatous polyposis 1. Last evaluated: 2024-04-07. Review status: criteria provided, single submitter. Criteria: Invitae Variant Classification Sherloc (09022015). Collection method: clinical testing. Allele origin: germline.
Comment: This sequence change replaces glycine, which is neutral and non-polar, with cysteine, which is neutral and slightly polar, at codon 253 of the APC protein (p.Gly253Cys). This variant is present in population databases (no rsID available, gnomAD 0.007%). This variant has not been reported in the literature in individuals affected with APC-related conditions. ClinVar contains an entry for this variant (Variation ID: 482278). Advanced modeling of protein sequence and biophysical properties (such as structural, functional, and spatial information, amino acid conservation, physicochemical variation, residue mobility, and thermodynamic stability) performed at Invitae indicates that this missense variant is not expected to disrupt APC protein function with a negative predictive value of 95%. In summary, the available evidence is currently insufficient to determine the role of this variant in disease. Therefore, it has been classified as a Variant of Uncertain Significance.

Baylor Genetics
Classification: Uncertain significance for Familial adenomatous polyposis 1. Last evaluated: 2023-09-04. Review status: criteria provided, single submitter. Criteria: ACMG Guidelines, 2015. Collection method: clinical testing. Allele origin: unknown.

Sema4
Classification: Uncertain significance for Hereditary cancer-predisposing syndrome. Last evaluated: 2022-01-01. Review status: criteria provided, single submitter. Criteria: Sema4 Curation Guidelines. Collection method: curation. Allele origin: germline.
Comment: The APC c.757G>T (p.G253C) variant has not been reported in the literature to our knowledge. It was observed in 1/16228 chromosomes of the African/African American subpopulation in the large and broad cohorts of the Genome Aggregation Database (PMID: 32461654). This variant has been reported in ClinVar (Variation ID 482278). Functional studies have not been performed, and in silico predictions of the variant's effect on protein function are inconclusive. The evidence is insufficient to meet ACMG/AMP criteria for classifying the variant as benign or pathogenic. Thus, the clinical significance of this variant is currently uncertain.

NM_000038.6(APC):c.757G>T (p.Gly253Cys)

Gene: APC (APC regulator of Wnt signaling pathway; plus strand). Cytogenetic location: 5q22.2.
Variant type: single nucleotide variant.
Coding change: c.757G>T on transcript NM_000038.6 (MANE Select); coding-DNA position 757, G replaced by T.
Protein change: p.Gly253Cys; replaces glycine 253 with cysteine.
Molecular consequence: missense variant. On other transcripts: 5 prime UTR variant (1).
Genome position (GRCh38, 1-based): chr5:112,801,306, G>T. VCF-style: chr5-112801306-G-T. GRCh37 (hg19) VCF-style: chr5-112137003-G-T.
Other names: c.757G>T, p.Gly253Cys (NM_001127510.3, NM_001354895.2, NM_001354896.2 and 1 more transcripts); c.703G>T, p.Gly235Cys (NM_001127511.3); c.787G>T, p.Gly263Cys (NM_001354897.2, NM_001354902.2); c.682G>T, p.Gly228Cys (NM_001354898.2, NM_001354904.2); c.673G>T, p.Gly225Cys (NM_001354899.2); c.580G>T, p.Gly194Cys (NM_001354900.2, NM_001354901.2, NM_001354905.2); c.-279G>T (NM_001354906.2); short protein forms G235C, G253C, G263C, G194C, G225C, G228C.
Identifiers: ClinVar variation 482278 (VCV000482278.16), dbSNP rs772806807, ClinGen allele CA16022990.